The following is an entry in ClinVar:

NM_004360.5(CDH1):c.1688C>G (p.Ala563Gly)

Gene: CDH1 (cadherin 1; plus strand). Cytogenetic location: 16q22.1.
Variant type: single nucleotide variant.
Coding change: c.1688C>G on transcript NM_004360.5 (MANE Select); coding-DNA position 1688, C replaced by G.
Protein change: p.Ala563Gly; replaces alanine 563 with glycine.
Molecular consequence: missense variant. On other transcripts: intron variant (1).
Genome position (GRCh38, 1-based): chr16:68,819,402, C>G. VCF-style: chr16-68819402-C-G. GRCh37 (hg19) VCF-style: chr16-68853305-C-G.
Other names: c.1505C>G, p.Ala502Gly (NM_001317184.2); c.140C>G, p.Ala47Gly (NM_001317185.2); c.-254-2599C>G (NM_001317186.2); short protein forms A502G, A563G, A47G.
Identifiers: ClinVar variation 835540 (VCV000835540.11), dbSNP rs1596960694, ClinGen allele CA396465384.

ClinVar aggregate classification (germline): Uncertain significance. Review status: criteria provided, multiple submitters, no conflicts (2 of 4 stars). 2 submissions from 2 submitters: Uncertain significance (2). Last evaluated 2024-06-12.

Conditions:
Hereditary cancer-predisposing syndrome. Also called: Neoplastic Syndromes, Hereditary; Hereditary neoplastic syndrome; Tumor predisposition; Hereditary Cancer Syndrome. Identifiers: Orphanet 140162, MedGen C0027672, MeSH D009386, MONDO:0015356.
Hereditary diffuse gastric adenocarcinoma (HDGC). Also called: DIFFUSE GASTRIC AND LOBULAR BREAST CANCER SYNDROME. Identifiers: Orphanet 26106, MedGen C1708349, MONDO:0007648, OMIM 137215.

Submissions (2):

Ambry Genetics
Classification: Uncertain significance for Hereditary cancer-predisposing syndrome. Last evaluated: 2024-06-12. Review status: criteria provided, single submitter. Criteria: Ambry Variant Classification Scheme 2023. Collection method: clinical testing. Allele origin: germline.
Comment: The p.A563G variant (also known as c.1688C>G), located in coding exon 11 of the CDH1 gene, results from a C to G substitution at nucleotide position 1688. The alanine at codon 563 is replaced by glycine, an amino acid with similar properties. This amino acid position is conserved. In addition, this alteration is predicted to be tolerated by in silico analysis. Based on the available evidence, the clinical significance of this variant remains unclear.

Labcorp Genetics (formerly Invitae), Labcorp
Classification: Uncertain significance for Hereditary diffuse gastric adenocarcinoma. Last evaluated: 2019-12-11. Review status: criteria provided, single submitter. Criteria: Invitae Variant Classification Sherloc (09022015). Collection method: clinical testing. Allele origin: germline.
Comment: This variant is not present in population databases (ExAC no frequency). In summary, the available evidence is currently insufficient to determine the role of this variant in disease. Therefore, it has been classified as a Variant of Uncertain Significance. Algorithms developed to predict the effect of missense changes on protein structure and function are either unavailable or do not agree on the potential impact of this missense change (SIFT: "Deleterious"; PolyPhen-2: "Probably Damaging"; Align-GVGD: "Class C0"). This variant has not been reported in the literature in individuals with CDH1-related conditions. This sequence change replaces alanine with glycine at codon 563 of the CDH1 protein (p.Ala563Gly). The alanine residue is highly conserved and there is a small physicochemical difference between alanine and glycine.